The following is an entry in ClinVar:

ClinVar aggregate classification (germline): Pathogenic/Likely pathogenic. Review status: criteria provided, multiple submitters, no conflicts (2 of 4 stars). 7 submissions from 7 submitters: Pathogenic (1); Likely pathogenic (2). 4 of the submissions do not count toward it. Last evaluated 2026-06-16.

Conditions:
CEP135-related disorder. Also called: CEP135-related condition.
Microcephaly 8, primary, autosomal recessive. Identifiers: Orphanet 2512, MedGen C3553414, MONDO:0013849, OMIM 614673.

Allele frequency attached by ClinVar (database versions not stated): ExAC 0.00002; gnomAD exomes 0.00004; gnomAD 0.00005 and 0.00006; TOPMed 0.00006.
gnomAD v4.1: 137 of 1,613,524 alleles (0.0085%); highest among the groups gnomAD compares: Non-Finnish European, 0.011%; no homozygotes.

Submissions (7):

PreventionGenetics, part of Exact Sciences
Classification: Likely pathogenic for CEP135-related condition. Last evaluated: 2026-06-16. Review status: criteria provided, single submitter. Criteria: ACMG Guidelines, 2015. Collection method: clinical testing. Allele origin: germline.
Comment: The CEP135 c.874C>T variant is predicted to result in premature protein termination (p.Arg292*). To our knowledge, this variant has not been reported in the literature. This variant is reported in 0.0085% of alleles in individuals of Latino descent in gnomAD. Nonsense variants in CEP135 are expected to be pathogenic. This variant is interpreted as likely pathogenic.

Labcorp Genetics (formerly Invitae), Labcorp
Classification: Pathogenic. Last evaluated: 2024-06-24. Review status: criteria provided, single submitter. Criteria: Invitae Variant Classification Sherloc (09022015). Collection method: clinical testing. Allele origin: germline.
Comment: This sequence change creates a premature translational stop signal (p.Arg292*) in the CEP135 gene. It is expected to result in an absent or disrupted protein product. Loss-of-function variants in CEP135 are known to be pathogenic (PMID: 22521416, 26657937). This variant is present in population databases (rs752140135, gnomAD 0.009%). This variant has not been reported in the literature in individuals affected with CEP135-related conditions. ClinVar contains an entry for this variant (Variation ID: 518356). For these reasons, this variant has been classified as Pathogenic.

New York Genome Center
Classification: Likely pathogenic for Microcephaly 8, primary, autosomal recessive. Last evaluated: 2020-06-25. Review status: criteria provided, single submitter. Criteria: NYGC Assertion Criteria 2020. Collection method: clinical testing. Allele origin: germline. Observed: 1 heterozygote. Study: CSER-NYCKidSeq.

Clinical Genetics DNA and cytogenetics Diagnostics Lab, Erasmus MC, Erasmus Medical Center
Classification: Likely pathogenic. Review status: no assertion criteria provided. Collection method: clinical testing. Allele origin: germline. Affected: yes. Study: VKGL Data-share Consensus. Not counted in ClinVar's aggregate classification.

Diagnostic Laboratory, Department of Genetics, University Medical Center Groningen
Classification: Pathogenic for Microcephaly 8, primary, autosomal recessive. Review status: no assertion criteria provided. Collection method: clinical testing. Allele origin: germline. Affected: yes. Study: VKGL Data-share Consensus. Not counted in ClinVar's aggregate classification.

Genome Diagnostics Laboratory, University Medical Center Utrecht
Classification: Pathogenic. Review status: no assertion criteria provided. Collection method: clinical testing. Allele origin: germline. Affected: yes. Study: VKGL Data-share Consensus. Not counted in ClinVar's aggregate classification.

Joint Genome Diagnostic Labs from Nijmegen and Maastricht, Radboudumc and MUMC+
Classification: Likely pathogenic. Review status: no assertion criteria provided. Collection method: clinical testing. Allele origin: germline. Affected: yes. Study: VKGL Data-share Consensus. Not counted in ClinVar's aggregate classification.

Literature cited by the submitters: PubMed 22521416 (cited by Labcorp Genetics (formerly Invitae), Labcorp); PubMed 26657937 (cited by Labcorp Genetics (formerly Invitae), Labcorp).

NM_025009.5(CEP135):c.874C>T (p.Arg292Ter)

Gene: CEP135 (centrosomal protein 135; plus strand). Cytogenetic location: 4q12.
Variant type: single nucleotide variant.
Coding change: c.874C>T on transcript NM_025009.5 (MANE Select); coding-DNA position 874, C replaced by T.
Protein change: p.Arg292Ter; replaces arginine 292 with a stop codon.
Molecular consequence: nonsense.
Genome position (GRCh38, 1-based): chr4:55,965,689, C>T. VCF-style: chr4-55965689-C-T. GRCh37 (hg19) VCF-style: chr4-56831855-C-T.
Other names: short protein forms R292*.
Identifiers: ClinVar variation 518356 (VCV000518356.12), dbSNP rs752140135, ClinGen allele CA2927699.
Genomic context (GRCh38, chr4:55,965,689, plus strand): 5'-ACAACTCCAATTTAGGTTGACTTTCTTCAGCAAGCTAATAAAGACCTGGAGAAGCGTATA[C>T]GAGAGCTTATGGAAACCAAGGAAACAGTGACATCTGAAGTCGTTAATTTAAGTAACAAAA-3'